The following is an entry in ClinVar:

ClinVar aggregate classification (germline): Uncertain significance. Review status: criteria provided, multiple submitters, no conflicts (2 of 4 stars). 2 submissions from 2 submitters: Uncertain significance (2). Last evaluated 2024-07-09.

Conditions:
Cardiovascular phenotype. Identifiers: MedGen CN230736.
Hereditary cancer-predisposing syndrome. Also called: Hereditary neoplastic syndrome; Hereditary Cancer Syndrome; Tumor predisposition; Neoplastic Syndromes, Hereditary. Identifiers: Orphanet 140162, MedGen C0027672, MeSH D009386, MONDO:0015356.
Neurofibromatosis, type 1 (NF1). Also called: Neurofibromatosis, type I; Peripheral type neurofibromatosis; VON RECKLINGHAUSEN DISEASE; NEUROFIBROMATOSIS, TYPE I, SOMATIC. Identifiers: Orphanet 636, MedGen C0027831, MONDO:0018975, OMIM 162200. Disease mechanism: loss of function.

Submissions (2):

Ambry Genetics
Classification: Uncertain significance for Cardiovascular phenotype; Hereditary cancer-predisposing syndrome. Last evaluated: 2024-07-09. Review status: criteria provided, single submitter. Criteria: Ambry Variant Classification Scheme 2023. Collection method: clinical testing. Allele origin: germline.
Comment: The p.R855S variant (also known as c.2565A>C), located in coding exon 21 of the NF1 gene, results from an A to C substitution at nucleotide position 2565. The arginine at codon 855 is replaced by serine, an amino acid with dissimilar properties. This amino acid position is conserved. In addition, the in silico prediction for this alteration is inconclusive. Based on the available evidence, the clinical significance of this variant remains unclear.

Labcorp Genetics (formerly Invitae), Labcorp
Classification: Uncertain significance for Neurofibromatosis, type 1. Last evaluated: 2019-11-03. Review status: criteria provided, single submitter. Criteria: Invitae Variant Classification Sherloc (09022015). Collection method: clinical testing. Allele origin: germline.
Comment: In summary, the available evidence is currently insufficient to determine the role of this variant in disease. Therefore, it has been classified as a Variant of Uncertain Significance. Algorithms developed to predict the effect of missense changes on protein structure and function are either unavailable or do not agree on the potential impact of this missense change (SIFT: "Tolerated"; PolyPhen-2: "Probably Damaging"; Align-GVGD: "Class C0"). This variant has not been reported in the literature in individuals with NF1-related conditions. This variant is not present in population databases (ExAC no frequency). This sequence change replaces arginine with serine at codon 855 of the NF1 protein (p.Arg855Ser). The arginine residue is moderately conserved and there is a moderate physicochemical difference between arginine and serine.

NM_001042492.3(NF1):c.2565A>C (p.Arg855Ser)

Gene: NF1 (neurofibromin 1; plus strand). Cytogenetic location: 17q11.2.
Variant type: single nucleotide variant.
Coding change: c.2565A>C on transcript NM_001042492.3 (MANE Select); coding-DNA position 2565, A replaced by C.
Protein change: p.Arg855Ser; replaces arginine 855 with serine.
Molecular consequence: missense variant.
Genome position (GRCh38, 1-based): chr17:31,229,180, A>C. VCF-style: chr17-31229180-A-C. GRCh37 (hg19) VCF-style: chr17-29556198-A-C.
Other names: c.2565A>C, p.Arg855Ser (NM_000267.4); short protein forms R855S.
Identifiers: ClinVar variation 970407 (VCV000970407.7), dbSNP rs2067068283, ClinGen allele CA398984316.